The following is an entry in ClinVar:

ClinVar aggregate classification (germline): Uncertain significance (1 of 4 stars; one submission).

gnomAD v4.1: 6 of 1,614,158 alleles (0.00037%); highest among the groups gnomAD compares: Non-Finnish European, 0.00051%; no homozygotes.

Submission:

Women's Health and Genetics/Laboratory Corporation of America, LabCorp
Classification: Uncertain significance. Last evaluated: 2025-10-23. Review status: criteria provided, single submitter. Criteria: LabCorp Variant Classification Summary - May 2015. Collection method: clinical testing. Allele origin: germline.
Comment: Variant summary: TCF20 c.5172T>A (p.Phe1724Leu) results in a non-conservative amino acid change in the encoded protein sequence. Algorithms developed to predict the effect of missense changes on protein structure and function are either unavailable or do not agree on the potential impact of this missense change. The variant was absent in 251466 control chromosomes. The available data on variant occurrences in the general population are insufficient to allow any conclusion about variant significance. To our knowledge, no occurrence of c.5172T>A in individuals affected with TCF20-related conditions and no experimental evidence demonstrating its impact on protein function have been reported. No submitters have cited clinical-significance assessments for this variant to ClinVar. Based on the evidence outlined above, the variant was classified as uncertain significance.

NM_001378418.1(TCF20):c.5172T>A (p.Phe1724Leu)

Gene: TCF20 (transcription factor 20; minus strand). Cytogenetic location: 22q13.2.
Variant type: single nucleotide variant.
Coding change: c.5172T>A on transcript NM_001378418.1 (MANE Select); coding-DNA position 5172, T replaced by A.
Protein change: p.Phe1724Leu; replaces phenylalanine 1724 with leucine.
Molecular consequence: missense variant.
Genome position (GRCh38, 1-based): chr22:42,210,134, A>T on the plus strand (T>A on the coding strand, the complement: TCF20 is on the minus strand). VCF-style: chr22-42210134-A-T. GRCh37 (hg19) VCF-style: chr22-42606140-A-T.
Other names: c.5172T>A, p.Phe1724Leu (NM_005650.4, NM_181492.3); short protein forms F1724L.
Identifiers: ClinVar variation 4687793 (VCV004687793.1).